The following is an entry in ClinVar:

ClinVar aggregate classification (germline): Conflicting classifications of pathogenicity. Review status: criteria provided, conflicting classifications (1 of 4 stars). 3 submissions from 3 submitters: Uncertain significance (1); Likely benign (2). Last evaluated 2019-03-06.

Conditions:
Lysinuric protein intolerance (LPI). Identifiers: Orphanet 470, MedGen C0268647, MONDO:0009109, OMIM 222700.
Autoinflammatory syndrome. Identifiers: Orphanet 93665, MedGen C3890737, MONDO:0019751.

Allele frequency attached by ClinVar (database versions not stated): 1000 Genomes Project 0.00319; 1000 Genomes Project 30x 0.00359; ExAC 0.00490; gnomAD exomes 0.00972 and 0.01113; gnomAD 0.00997 and 0.01026; TOPMed 0.01014.

Submissions (3):

GeneDx
Classification: Likely benign. Last evaluated: 2019-03-06. Review status: criteria provided, single submitter. Criteria: GeneDx Variant Classification Process June 2021. Collection method: clinical testing. Allele origin: germline. Affected: yes.

Illumina Laboratory Services, Illumina
Classification: Likely benign for Lysinuric protein intolerance. Last evaluated: 2018-01-13. Review status: criteria provided, single submitter. Criteria: ICSL Variant Classification Criteria 13 December 2019. Collection method: clinical testing. Allele origin: germline.
Comment: This variant was observed in the ICSL laboratory as part of a predisposition screen in an ostensibly healthy population. It had not been previously curated by ICSL or reported in the Human Gene Mutation Database (HGMD: prior to June 1st, 2018), and was therefore a candidate for classification through an automated scoring system. Utilizing variant allele frequency, disease prevalence and penetrance estimates, and inheritance mode, an automated score was calculated to assess if this variant is too frequent to cause the disease. Based on the score and internal cut-off values, a variant classified as likely benign is not then subjected to further curation. The score for this variant resulted in a classification of likely benign for this disease.

Genome Diagnostics Laboratory, The Hospital for Sick Children
Classification: Uncertain significance for Autoinflammatory syndrome. Last evaluated: 2016-12-19. Review status: criteria provided, single submitter. Criteria: ACMG Guidelines, 2015. Collection method: clinical testing. Allele origin: germline. Affected: yes.

NM_003982.4(SLC7A7):c.*272C>T

Gene: SLC7A7 (solute carrier family 7 member 7; minus strand). Cytogenetic location: 14q11.2.
Variant type: single nucleotide variant.
Coding change: c.*272C>T on transcript NM_003982.4 (MANE Select); 272 bases downstream of the stop codon, C replaced by T.
Molecular consequence: 3 prime UTR variant.
Genome position (GRCh38, 1-based): chr14:22,773,338, G>A on the plus strand (C>T on the coding strand, the complement: SLC7A7 is on the minus strand). VCF-style: chr14-22773338-G-A. GRCh37 (hg19) VCF-style: chr14-23242547-G-A.
Other names: c.*272C>T (NM_001126105.3, NM_001126106.4).
Identifiers: ClinVar variation 882078 (VCV000882078.10), dbSNP rs143575981, ClinGen allele CA7104324.